The following is an entry in ClinVar:

ClinVar aggregate classification (germline): Likely pathogenic (1 of 4 stars; one submission).

Conditions:
Primary ciliary dyskinesia. Also called: Ciliary dyskinesia. Identifiers: Orphanet 244, MedGen C0008780, MONDO:0016575, HP:0012265.

Submission:

Natera, Inc.
Classification: Likely pathogenic for Primary ciliary dyskinesia. Last evaluated: 2024-04-11. Review status: criteria provided, single submitter. Criteria: Natera Variant Classification Schema (03/2026). Collection method: clinical testing. Allele origin: germline.
Comment: The c.3763delA variant in DNAH5 is a frameshift variant predicted to shift the reading frame beginning at codon 1255 and leads to a stop codon 6 codons downstream. This variant is expected to result in nonsense mediated decay, truncation, or a dysfunctional protein product. This variant is rare in the general population with a frequency below the threshold expected for the associated phenotype(s). Given the available evidence, this variant is classified as Likely Pathogenic.

NM_001369.3(DNAH5):c.3763del (p.Ile1255fs)

Genes: DNAH5 (dynein axonemal heavy chain 5; minus strand), DNAH5-AS1 (DNAH5 antisense RNA 1; plus strand). Cytogenetic location: 5p15.2.
Variant type: Deletion.
Coding change: c.3763del on transcript NM_001369.3 (MANE Select); coding-DNA position 3763, one base deleted (A; older notation c.3763delA).
Protein change: p.Ile1255fs; shifts the reading frame from isoleucine 1255.
Molecular consequence: frameshift variant.
Genome position (GRCh38, 1-based): chr5:13,870,838, T deleted on the plus strand (A on the coding strand, the reverse complement: DNAH5 is on the minus strand). VCF-style (leftmost placement, unchanged base first): chr5-13870837-AT-A. GRCh37 (hg19) VCF-style: chr5-13870946-AT-A.
Other names: short protein forms I1255fs.
Identifiers: ClinVar variation 4814884 (VCV004814884.1).